The following is an entry in ClinVar:

NM_001013838.3(CARMIL2):c.1633A>T (p.Arg545Ter)

Gene: CARMIL2 (capping protein regulator and myosin 1 linker 2; plus strand). Cytogenetic location: 16q22.1.
Variant type: single nucleotide variant.
Coding change: c.1633A>T on transcript NM_001013838.3 (MANE Select); coding-DNA position 1633, A replaced by T.
Protein change: p.Arg545Ter; replaces arginine 545 with a stop codon.
Molecular consequence: nonsense.
Genome position (GRCh38, 1-based): chr16:67,649,117, A>T. VCF-style: chr16-67649117-A-T. GRCh37 (hg19) VCF-style: chr16-67683020-A-T.
Other names: c.1525A>T, p.Arg509Ter (NM_001317026.3); short protein forms R509*, R545*.
Identifiers: ClinVar variation 3638233 (VCV003638233.2).

ClinVar aggregate classification (germline): Pathogenic (1 of 4 stars; one submission).

Submission:

Labcorp Genetics (formerly Invitae), Labcorp
Classification: Pathogenic. Last evaluated: 2024-02-02. Review status: criteria provided, single submitter. Criteria: Invitae Variant Classification Sherloc (09022015). Collection method: clinical testing. Allele origin: germline.
Comment: This sequence change creates a premature translational stop signal (p.Arg545*) in the CARMIL2 gene. It is expected to result in an absent or disrupted protein product. Loss-of-function variants in CARMIL2 are known to be pathogenic (PMID: 27647349, 28112205). This variant is not present in population databases (gnomAD no frequency). This variant has not been reported in the literature in individuals affected with CARMIL2-related conditions. For these reasons, this variant has been classified as Pathogenic.

Literature cited by the submitters: PubMed 27647349; PubMed 28112205.